The following is an entry in ClinVar:

NM_152594.3(SPRED1):c.208-9T>G

Gene: SPRED1 (sprouty related EVH1 domain containing 1; plus strand). Cytogenetic location: 15q14.
Variant type: single nucleotide variant.
Coding change: c.208-9T>G on transcript NM_152594.3 (MANE Select); 9 bases into the intron before coding-DNA position 208, T replaced by G.
Molecular consequence: intron variant.
Genome position (GRCh38, 1-based): chr15:38,322,232, T>G. VCF-style: chr15-38322232-T-G. GRCh37 (hg19) VCF-style: chr15-38614433-T-G.
Identifiers: ClinVar variation 4724588 (VCV004724588.1).
Genomic context (GRCh38, chr15:38,322,232, plus strand): 5'-TGTATTTATGAGCTACATTAGATGCATTTGATATATGTATATTAATTTTTGGTATTTGGC[T>G]TTTGTCAGGTGGTTTTGGAATGTATGCTTAAAAAAGACCTCATTTATAATAAGGTCACTC-3'

ClinVar aggregate classification (germline): Uncertain significance (1 of 4 stars; one submission).

Conditions:
Legius syndrome. Identifiers: Orphanet 137605, MedGen C1969623, MONDO:0012669, OMIM 611431. Disease mechanism: loss of function.

gnomAD v4.1: 3 of 1,613,486 alleles (0.00019%); highest among the groups gnomAD compares: African/African-American, 0.004%; no homozygotes.

Submission:

Labcorp Genetics (formerly Invitae), Labcorp
Classification: Uncertain significance for Legius syndrome. Last evaluated: 2025-04-06. Review status: criteria provided, single submitter. Criteria: Invitae Variant Classification Sherloc (09022015). Collection method: clinical testing. Allele origin: germline.
Comment: This sequence change falls in intron 2 of the SPRED1 gene. It does not directly change the encoded amino acid sequence of the SPRED1 protein. This variant is not present in population databases (gnomAD no frequency). This variant has not been reported in the literature in individuals affected with SPRED1-related conditions. Algorithms developed to predict the effect of sequence changes on RNA splicing suggest that this variant may create or strengthen a splice site. In summary, the available evidence is currently insufficient to determine the role of this variant in disease. Therefore, it has been classified as a Variant of Uncertain Significance.